The following is an entry in ClinVar:

ClinVar aggregate classification (germline): Likely benign. Review status: criteria provided, multiple submitters, no conflicts (2 of 4 stars). 3 submissions from 3 submitters: Likely benign (3). Last evaluated 2026-05-09.

Conditions:
COG7-related disorder. Also called: COG7-related condition.
COG7 congenital disorder of glycosylation (CDG2E). Also called: CONGENITAL DISORDER OF GLYCOSYLATION, TYPE IIe; CDG IIe. Identifiers: Orphanet 79333, MedGen C2931010, MONDO:0012118, OMIM 608779.

Allele frequency attached by ClinVar (database versions not stated): gnomAD exomes below 0.00001 and 0.00002; ExAC 0.00001; TOPMed 0.00002; gnomAD 0.00005 and 0.00007.
gnomAD v4.1: 33 of 1,614,172 alleles (0.002%); highest among the groups gnomAD compares: Admixed American, 0.01%; no homozygotes.

Submissions (3):

PreventionGenetics, part of Exact Sciences
Classification: Likely benign for COG7-related condition. Last evaluated: 2026-05-09. Review status: criteria provided, single submitter. Criteria: ACMG Guidelines, 2015. Collection method: clinical testing. Allele origin: germline.
Comment: This variant is classified as likely benign based on ACMG/AMP sequence variant interpretation guidelines (Richards et al. 2015 PMID: 25741868, with internal and published modifications).

Labcorp Genetics (formerly Invitae), Labcorp
Classification: Likely benign for COG7 congenital disorder of glycosylation. Last evaluated: 2026-01-15. Review status: criteria provided, single submitter. Criteria: Invitae Variant Classification Sherloc (09022015). Collection method: clinical testing. Allele origin: germline.

Blueprint Genetics
Classification: Likely benign. Last evaluated: 2024-11-11. Review status: criteria provided, single submitter. Criteria: ACMG Guidelines, 2015. Collection method: clinical testing. Allele origin: germline.

NM_153603.4(COG7):c.2064C>T (p.Ala688=)

Gene: COG7 (component of oligomeric golgi complex 7; minus strand). Cytogenetic location: 16p12.2.
Variant type: single nucleotide variant.
Coding change: c.2064C>T on transcript NM_153603.4 (MANE Select); coding-DNA position 2064, C replaced by T.
Protein change: p.Ala688=; no amino-acid change (alanine 688 retained).
Molecular consequence: synonymous variant.
Genome position (GRCh38, 1-based): chr16:23,392,462, G>A on the plus strand (C>T on the coding strand, the complement: COG7 is on the minus strand). VCF-style: chr16-23392462-G-A. GRCh37 (hg19) VCF-style: chr16-23403783-G-A.
Identifiers: ClinVar variation 471234 (VCV000471234.11), dbSNP rs375870009, ClinGen allele CA7960797.